The following is an entry in ClinVar:

ClinVar aggregate classification (germline): Uncertain significance (1 of 4 stars; one submission).

Submission:

Labcorp Genetics (formerly Invitae), Labcorp
Classification: Uncertain significance. Last evaluated: 2021-03-23. Review status: criteria provided, single submitter. Criteria: Invitae Variant Classification Sherloc (09022015). Collection method: clinical testing. Allele origin: germline.
Comment: In summary, the available evidence is currently insufficient to determine the role of this variant in disease. Therefore, it has been classified as a Variant of Uncertain Significance. Algorithms developed to predict the effect of missense changes on protein structure and function output the following: SIFT: "Tolerated"; PolyPhen-2: "Benign"; Align-GVGD: "Class C0". The valine amino acid residue is found in multiple mammalian species, suggesting that this missense change does not adversely affect protein function. These predictions have not been confirmed by published functional studies and their clinical significance is uncertain. This variant has not been reported in the literature in individuals with MYLK3-related conditions. This variant is not present in population databases (ExAC no frequency). This sequence change replaces isoleucine with valine at codon 632 of the MYLK3 protein (p.Ile632Val). The isoleucine residue is highly conserved and there is a small physicochemical difference between isoleucine and valine.

NM_182493.3(MYLK3):c.1894A>G (p.Ile632Val)

Gene: MYLK3 (myosin light chain kinase 3; minus strand). Cytogenetic location: 16q11.2.
Variant type: single nucleotide variant.
Coding change: c.1894A>G on transcript NM_182493.3 (MANE Select); coding-DNA position 1894, A replaced by G.
Protein change: p.Ile632Val; replaces isoleucine 632 with valine.
Molecular consequence: missense variant.
Genome position (GRCh38, 1-based): chr16:46,727,256, T>C on the plus strand (A>G on the coding strand, the complement: MYLK3 is on the minus strand). VCF-style: chr16-46727256-T-C. GRCh37 (hg19) VCF-style: chr16-46761168-T-C.
Other names: c.871A>G, p.Ile291Val (NM_001308301.1); short protein forms I632V, I291V.
Identifiers: ClinVar variation 1413555 (VCV001413555.8), dbSNP rs2143014443, ClinGen allele CA395789650.
Genomic context (GRCh38, chr16:46,727,256, plus strand): 5'-ACACCAGGGGCCCCTACCGCATGCCCAGGGCAGAACCCACCTTGAGGTCCAGGTGCAGGA[T>C]GTAGTGCTGGTGCAGGTAATGCACACCCTCACAGATCTGCCTGGTGAACAGGACCACATC-3'
Protein context (NP_872299.2, residues 622-642): EGVHYLHQHY[Ile632Val]LHLDLKPENI